The following is an entry in ClinVar:

ClinVar aggregate classification (germline): Uncertain significance (1 of 4 stars; one submission).

Conditions:
RASopathy. Also called: Noonan spectrum disorder; rasopathies. Identifiers: Orphanet 536391, MedGen C5555857, MONDO:0021060.

Allele frequency attached by ClinVar (database versions not stated): ExAC 0.00001; gnomAD 0.00003.
gnomAD v4.1: 9 of 1,612,256 alleles (0.00056%); highest among the groups gnomAD compares: Admixed American, 0.013%; no homozygotes.

Submission:

Labcorp Genetics (formerly Invitae), Labcorp
Classification: Uncertain significance for RASopathy. Last evaluated: 2025-07-08. Review status: criteria provided, single submitter. Criteria: Invitae Variant Classification Sherloc (09022015). Collection method: clinical testing. Allele origin: germline.
Comment: This sequence change falls in intron 3 of the SOS1 gene. It does not directly change the encoded amino acid sequence of the SOS1 protein. It affects a nucleotide within the consensus splice site. This variant is present in population databases (rs753451143, gnomAD 0.006%). This variant has not been reported in the literature in individuals affected with SOS1-related conditions. ClinVar contains an entry for this variant (Variation ID: 2140022). Variants that disrupt the consensus splice site are a relatively common cause of aberrant splicing (PMID: 17576681, 9536098). Algorithms developed to predict the effect of sequence changes on RNA splicing suggest that this variant is not likely to affect RNA splicing. In summary, the available evidence is currently insufficient to determine the role of this variant in disease. Therefore, it has been classified as a Variant of Uncertain Significance.

Literature cited by the submitters: PubMed 17576681; PubMed 9536098.

NM_005633.4(SOS1):c.345+6G>A

Gene: SOS1 (SOS Ras/Rac guanine nucleotide exchange factor 1; minus strand). Cytogenetic location: 2p22.1.
Variant type: single nucleotide variant.
Coding change: c.345+6G>A on transcript NM_005633.4 (MANE Select); 6 bases into the intron after coding-DNA position 345, G replaced by A.
Molecular consequence: intron variant.
Genome position (GRCh38, 1-based): chr2:39,058,667, C>T on the plus strand (G>A on the coding strand, the complement: SOS1 is on the minus strand). VCF-style: chr2-39058667-C-T. GRCh37 (hg19) VCF-style: chr2-39285808-C-T.
Other names: c.324+6G>A (NM_001382394.1); c.345+6G>A (NM_001382395.1).
Identifiers: ClinVar variation 2140022 (VCV002140022.4), dbSNP rs753451143, ClinGen allele CA1624817.
Genomic context (GRCh38, chr2:39,058,667, plus strand): 5'-TATTGTATAAAAATGGTGGGTTTTATTTTTCCCTTAAAAGGCAAGAAGGCAGTAGTTCAG[C>T]ATTACCTTTAATAAAGGATGAATTTTTTCTACTGGGAGAGATAAAGGGTTTCTTCGCTTC-3'